The following is an entry in ClinVar:

NM_001130987.2(DYSF):c.4228C>T (p.Pro1410Ser)

Gene: DYSF (dysferlin; plus strand). Cytogenetic location: 2p13.2.
Variant type: single nucleotide variant.
Coding change: c.4228C>T on transcript NM_001130987.2 (MANE Select); coding-DNA position 4228, C replaced by T.
Protein change: p.Pro1410Ser; replaces proline 1410 with serine.
Molecular consequence: missense variant.
Genome position (GRCh38, 1-based): chr2:71,612,647, C>T. VCF-style: chr2-71612647-C-T. GRCh37 (hg19) VCF-style: chr2-71839777-C-T.
Other names: c.4177C>T, p.Pro1393Ser (NM_001130455.2, NM_001130983.2); c.4132C>T, p.Pro1378Ser (NM_001130976.2, NM_001130977.2); c.4174C>T, p.Pro1392Ser (NM_001130978.2, NM_003494.4); c.4267C>T, p.Pro1423Ser (NM_001130979.2); c.4225C>T, p.Pro1409Ser (NM_001130980.2, NM_001130981.2); c.4270C>T, p.Pro1424Ser (NM_001130982.2); c.4135C>T, p.Pro1379Ser (NM_001130984.2, NM_001130986.2); c.4228C>T, p.Pro1410Ser (NM_001130985.2); short protein forms P1379S, P1409S, P1410S, P1392S, P1393S, P1424S, P1378S, P1423S.
Identifiers: ClinVar variation 2042844 (VCV002042844.1), dbSNP rs1558619164, ClinGen allele CA347229191.

ClinVar aggregate classification (germline): Uncertain significance (1 of 4 stars; one submission).

Conditions:
Neuromuscular disease caused by qualitative or quantitative defects of dysferlin. Also called: Qualitative or quantitative defects of dysferlin; Dysferlinopathy. Identifiers: Orphanet 207073, MedGen C2931687, MONDO:0016145.

Submission:

Labcorp Genetics (formerly Invitae), Labcorp
Classification: Uncertain significance for Neuromuscular disease caused by qualitative or quantitative defects of dysferlin. Last evaluated: 2022-07-21. Review status: criteria provided, single submitter. Criteria: Invitae Variant Classification Sherloc (09022015). Collection method: clinical testing. Allele origin: germline.
Comment: This sequence change replaces proline, which is neutral and non-polar, with serine, which is neutral and polar, at codon 1392 of the DYSF protein (p.Pro1392Ser). This variant is not present in population databases (gnomAD no frequency). This variant has not been reported in the literature in individuals affected with DYSF-related conditions. Advanced modeling of protein sequence and biophysical properties (such as structural, functional, and spatial information, amino acid conservation, physicochemical variation, residue mobility, and thermodynamic stability) performed at Invitae indicates that this missense variant is expected to disrupt DYSF protein function. In summary, the available evidence is currently insufficient to determine the role of this variant in disease. Therefore, it has been classified as a Variant of Uncertain Significance.